The following is an entry in ClinVar:

ClinVar aggregate classification (germline): Likely benign. Review status: criteria provided, multiple submitters, no conflicts (2 of 4 stars). 2 submissions from 2 submitters: Likely benign (2). Last evaluated 2026-09-22.

Conditions:
SIGMAR1-related disorder. Also called: SIGMAR1-related condition.
Amyotrophic lateral sclerosis type 16. Also called: AMYOTROPHIC LATERAL SCLEROSIS 16, JUVENILE. Identifiers: Orphanet 300605, MedGen C3280587, MONDO:0013715, OMIM 614373.
Autosomal recessive distal spinal muscular atrophy 2. Also called: NEUROPATHY, DISTAL HEREDITARY MOTOR, AUTOSOMAL RECESSIVE 2; NEURONOPATHY, DISTAL HEREDITARY MOTOR, JERASH TYPE; NEUROPATHY, DISTAL HEREDITARY MOTOR, JERASH TYPE; SPINAL MUSCULAR ATROPHY, JERASH TYPE; Hereditary motor neuropathy, Jerash type; Motor neuropathy, distal, Jerash type. Identifiers: Orphanet 139552, MedGen C1854023, MONDO:0011585, OMIM 605726.

Allele frequency attached by ClinVar (database versions not stated): gnomAD 0.00001 and 0.00004; TOPMed 0.00004; ESP Exome Variant Server 0.00008; 1000 Genomes Project 30x 0.00062; ExAC 0.00006; gnomAD exomes 0.00004 and 0.00006; 1000 Genomes Project 0.00060.
gnomAD v4.1: 65 of 1,572,826 alleles (0.0041%); highest among the groups gnomAD compares: East Asian, 0.049%; no homozygotes.

Submissions (2):

PreventionGenetics, part of Exact Sciences
Classification: Likely benign for SIGMAR1-related condition. Last evaluated: 2026-09-22. Review status: criteria provided, single submitter. Criteria: ACMG Guidelines, 2015. Collection method: clinical testing. Allele origin: germline.
Comment: This variant is classified as likely benign based on ACMG/AMP sequence variant interpretation guidelines (Richards et al. 2015 PMID: 25741868, with internal and published modifications).

Labcorp Genetics (formerly Invitae), Labcorp
Classification: Likely benign for Autosomal recessive distal spinal muscular atrophy 2; Amyotrophic lateral sclerosis type 16. Last evaluated: 2024-12-26. Review status: criteria provided, single submitter. Criteria: Invitae Variant Classification Sherloc (09022015). Collection method: clinical testing. Allele origin: germline.

NM_005866.4(SIGMAR1):c.303C>T (p.Ser101=)

Gene: SIGMAR1 (sigma receptor chaperone 1; minus strand). Cytogenetic location: 9p13.3.
Variant type: single nucleotide variant.
Coding change: c.303C>T on transcript NM_005866.4 (MANE Select); coding-DNA position 303, C replaced by T.
Protein change: p.Ser101=; no amino-acid change (serine 101 retained).
Molecular consequence: synonymous variant. On other transcripts: missense variant (1).
Genome position (GRCh38, 1-based): chr9:34,637,269, G>A on the plus strand (C>T on the coding strand, the complement: SIGMAR1 is on the minus strand). VCF-style: chr9-34637269-G-A. GRCh37 (hg19) VCF-style: chr9-34637266-G-A.
Other names: c.303C>T, p.Ser101= (NM_001282205.2, NM_001282208.2, NM_001282209.2 and 1 more transcripts); c.50C>T, p.Pro17Leu (NM_001282206.2); c.243C>T, p.Ser81= (NM_001282207.2); c.50C>T (NM_001282206.1); short protein forms P17L.
Identifiers: ClinVar variation 534265 (VCV000534265.13), dbSNP rs59277791, ClinGen allele CA5035907.
Genomic context (GRCh38, chr9:34,637,269, plus strand): 5'-CTAGCACTGACCCGAGTGGCCGCGGGAGCCCAAGGCGGTGCCGAAGAGCAGCACATACTC[G>A]GACAGCGAGGCGTGCAGAAGGCACATGGCGCCCATCCAGCCACCCGCATTCACGAACACC-3'
Protein context (NP_005857.1, residues 91-111): GAMCLLHASL[Ser101=]EYVLLFGTAL